The following is an entry in ClinVar:

NM_001710.6(CFB):c.1339G>T (p.Asp447Tyr)

Gene: CFB (complement factor B; plus strand). Cytogenetic location: 6p21.33.
Variant type: single nucleotide variant.
Coding change: c.1339G>T on transcript NM_001710.6 (MANE Select); coding-DNA position 1339, G replaced by T.
Protein change: p.Asp447Tyr; replaces aspartic acid 447 with tyrosine.
Molecular consequence: missense variant.
Genome position (GRCh38, 1-based): chr6:31,949,488, G>T. VCF-style: chr6-31949488-G-T. GRCh37 (hg19) VCF-style: chr6-31917265-G-T.
Other names: short protein forms D447Y.
Identifiers: ClinVar variation 2983954 (VCV002983954.4), dbSNP rs1268892835, ClinGen allele CA363403471.

ClinVar aggregate classification (germline): Uncertain significance. Review status: criteria provided, multiple submitters, no conflicts (2 of 4 stars). 2 submissions from 2 submitters: Uncertain significance (2). Last evaluated 2026-01-22.

Allele frequency attached by ClinVar (database versions not stated): TOPMed below 0.00001; gnomAD 0.00001; gnomAD exomes 0.00001.
gnomAD v4.1: 9 of 1,613,898 alleles (0.00056%); highest among the groups gnomAD compares: Non-Finnish European, 0.00076%; no homozygotes.

Submissions (2):

Women's Health and Genetics/Laboratory Corporation of America, LabCorp
Classification: Uncertain significance. Last evaluated: 2026-01-22. Review status: criteria provided, single submitter. Criteria: LabCorp Variant Classification Summary - May 2015. Collection method: clinical testing. Allele origin: germline.

Labcorp Genetics (formerly Invitae), Labcorp
Classification: Uncertain significance. Last evaluated: 2024-01-10. Review status: criteria provided, single submitter. Criteria: Invitae Variant Classification Sherloc (09022015). Collection method: clinical testing. Allele origin: germline.
Comment: This sequence change replaces aspartic acid, which is acidic and polar, with tyrosine, which is neutral and polar, at codon 447 of the CFB protein (p.Asp447Tyr). This variant is present in population databases (no rsID available, gnomAD 0.0009%). This variant has not been reported in the literature in individuals affected with CFB-related conditions. Advanced modeling of protein sequence and biophysical properties (such as structural, functional, and spatial information, amino acid conservation, physicochemical variation, residue mobility, and thermodynamic stability) performed at Invitae indicates that this missense variant is not expected to disrupt CFB protein function with a negative predictive value of 80%. In summary, the available evidence is currently insufficient to determine the role of this variant in disease. Therefore, it has been classified as a Variant of Uncertain Significance.